The following is an entry in ClinVar:

ClinVar aggregate classification (germline): Pathogenic. Review status: criteria provided, multiple submitters, no conflicts (2 of 4 stars). 7 submissions from 7 submitters: Pathogenic (5). 2 of the submissions do not count toward it. Last evaluated 2023-10-28.

Conditions:
Birt-Hogg-Dube syndrome. Also called: Birt Hogg Dubé syndrome. Identifiers: Orphanet 122, MedGen C0346010, MONDO:0800444.

Submissions (7):

Labcorp Genetics (formerly Invitae), Labcorp
Classification: Pathogenic for Birt-Hogg-Dube syndrome. Last evaluated: 2023-10-28. Review status: criteria provided, single submitter. Criteria: Invitae Variant Classification Sherloc (09022015). Collection method: clinical testing. Allele origin: germline.
Comment: This sequence change creates a premature translational stop signal (p.Ala204*) in the FLCN gene. It is expected to result in an absent or disrupted protein product. Loss-of-function variants in FLCN are known to be pathogenic (PMID: 15852235). Information on the frequency of this variant in the gnomAD database is not available, as this variant may be reported differently in the database. This premature translational stop signal has been observed in individual(s) with Birt-Hogg-Dubé syndrome (BHD) (PMID: 17611575, 18234728, 20522427, 25519458, 26603437, 27652079). It has also been observed to segregate with disease in related individuals. This variant is also known as c.1065_1066delGCinsTA. ClinVar contains an entry for this variant (Variation ID: 96488). For these reasons, this variant has been classified as Pathogenic.

Quest Diagnostics Nichols Institute San Juan Capistrano
Classification: Pathogenic. Last evaluated: 2023-03-16. Review status: criteria provided, single submitter. Criteria: Quest Diagnostics criteria. Collection method: clinical testing. Allele origin: unknown.
Comment: This nonsense variant causes the premature termination of FLCN protein synthesis. This variant has not been reported in large, multi-ethnic general populations. In the published literature, the variant has been reported in multiple individuals and families with Birt-Hogg-Dubé syndrome (BDH) (PMID: 17611575 (2008), 18234728 (2008), 20522427 (2010), 22146830 (2011), 25519458 (2014), 26603437 (2016), 27652079 (2016)). A functional study found this variant impairs the stability of the folliculin protein (PMID: 21538689 (2011)). Based on the available information, this variant is classified as pathogenic.

GeneDx
Classification: Pathogenic. Last evaluated: 2019-04-30. Review status: criteria provided, single submitter. Criteria: GeneDx Variant Classification Process June 2021. Collection method: clinical testing. Allele origin: germline. Affected: yes.
Comment: Nonsense variant predicted to result in protein truncation or nonsense mediated decay in a gene for which loss-of-function is a known mechanism of disease; Not observed in large population cohorts (Lek et al., 2016); This variant is associated with the following publications: (PMID: 17611575, 25519458, 18234728, 26603437, 21538689, 20522427)

Genomic Diagnostic Laboratory, Division of Genomic Diagnostics, Children's Hospital of Philadelphia
Classification: Pathogenic for Birt-Hogg-Dube Syndrome. Last evaluated: 2016-07-18. Review status: criteria provided, single submitter. Criteria: DGD Variant Analysis Guidelines. Collection method: clinical testing. Allele origin: germline. Affected: yes. Observed: 1 variant allele.
Comment: Clinical Testing

Eurofins Ntd Llc (ga)
Classification: Pathogenic. Last evaluated: 2013-01-31. Review status: criteria provided, single submitter. Criteria: EGL Classification Definitions 2015. Collection method: clinical testing. Allele origin: germline.

OMIM
Classification: Pathogenic for BIRT-HOGG-DUBE SYNDROME 1. Last evaluated: 2010-06-01. Review status: no assertion criteria provided. Collection method: literature only. Allele origin: germline. Not counted in ClinVar's aggregate classification.

GeneReviews
No classification provided. Condition: Birt-Hogg-Dube syndrome. Review status: no classification provided. Collection method: literature only. Allele origin: germline. Affected: yes. Not counted in ClinVar's aggregate classification.

Literature cited by the submitters: PubMed 15852235 (cited by Labcorp Genetics (formerly Invitae), Labcorp); PubMed 17611575 (cited by Labcorp Genetics (formerly Invitae), Labcorp and Quest Diagnostics Nichols Institute San Juan Capistrano); PubMed 18234728 (cited by Labcorp Genetics (formerly Invitae), Labcorp and Quest Diagnostics Nichols Institute San Juan Capistrano); PubMed 20522427 (cited by 4 submitters); PubMed 25519458 (cited by Labcorp Genetics (formerly Invitae), Labcorp and Quest Diagnostics Nichols Institute San Juan Capistrano); PubMed 26603437 (cited by Labcorp Genetics (formerly Invitae), Labcorp and Quest Diagnostics Nichols Institute San Juan Capistrano); PubMed 27652079 (cited by Labcorp Genetics (formerly Invitae), Labcorp and Quest Diagnostics Nichols Institute San Juan Capistrano); PubMed 21538689 (cited by Quest Diagnostics Nichols Institute San Juan Capistrano); PubMed 22146830 (cited by Quest Diagnostics Nichols Institute San Juan Capistrano).

NM_144997.7(FLCN):c.610_611delinsTA (p.Ala204Ter)

Gene: FLCN (folliculin; minus strand). Cytogenetic location: 17p11.2.
Variant type: Indel.
Coding change: c.610_611delinsTA on transcript NM_144997.7 (MANE Select); coding-DNA positions 610 to 611, GC replaced by TA.
Protein change: p.Ala204Ter; replaces alanine 204 with a stop codon.
Molecular consequence: nonsense.
Genome position (GRCh38, 1-based): chr17:17,223,929-17,223,930, GC replaced by TA on the plus strand (GC replaced by TA on the coding strand, the reverse complement: FLCN is on the minus strand). VCF-style: chr17-17223929-GC-TA. GRCh37 (hg19) VCF-style: chr17-17127243-GC-TA.
Other names: c.610_611delinsTA (NM_144997.6); c.610_611delGCinsTA, p.Ala204Ter (LRG_325t1); c.664_665delinsTA, p.Ala222Ter (NM_001353229.2); c.610_611delinsTA, p.Ala204Ter (NM_001353230.2, NM_001353231.2, NM_144606.7); short protein forms A204*, A222*.
Identifiers: ClinVar variation 96488 (VCV000096488.16), dbSNP rs398124538, ClinGen allele CA224175.